The following is an entry in ClinVar:

NM_021930.6(RINT1):c.260A>G (p.Gln87Arg)

Gene: RINT1 (RAD50 interactor 1; plus strand). Cytogenetic location: 7q22.3.
Variant type: single nucleotide variant.
Coding change: c.260A>G on transcript NM_021930.6 (MANE Select); coding-DNA position 260, A replaced by G.
Protein change: p.Gln87Arg; replaces glutamine 87 with arginine.
Molecular consequence: missense variant. On other transcripts: 5 prime UTR variant (3), non-coding transcript variant (1), intron variant (1).
Genome position (GRCh38, 1-based): chr7:105,536,736, A>G. VCF-style: chr7-105536736-A-G. GRCh37 (hg19) VCF-style: chr7-105177183-A-G.
Other names: c.-760A>G (NM_001346600.2); c.-663A>G (NM_001346601.2); c.-283A>G (NM_001346603.2); c.39+124A>G (NM_001346599.2); short protein forms Q87R.
Identifiers: ClinVar variation 4841713 (VCV004841713.1).

ClinVar aggregate classification (germline): Uncertain significance (1 of 4 stars; one submission).

gnomAD v4.1: 1 of 1,593,726 alleles (0.000063%); highest among the groups gnomAD compares: Non-Finnish European, 0.000085%; no homozygotes.

Submission:

Ambry Genetics
Classification: Uncertain significance. Last evaluated: 2025-12-15. Review status: criteria provided, single submitter. Criteria: Ambry Variant Classification Scheme 2023. Collection method: clinical testing. Allele origin: germline.
Comment: The p.Q87R variant (also known as c.260A>G), located in coding exon 3 of the RINT1 gene, results from an A to G substitution at nucleotide position 260. The glutamine at codon 87 is replaced by arginine, an amino acid with highly similar properties. This amino acid position is conserved. In addition, this alteration is predicted to be tolerated by in silico analysis. Based on the available evidence, the clinical significance of this variant remains unclear.